The following is an entry in ClinVar:

ClinVar aggregate classification (germline): Uncertain significance. Review status: criteria provided, multiple submitters, no conflicts (2 of 4 stars). 2 submissions from 2 submitters: Uncertain significance (2). Last evaluated 2024-04-01.

Conditions:
Hereditary spastic paraplegia 8 (SPG8). Also called: SPASTIC PARAPLEGIA 8, AUTOSOMAL DOMINANT. Identifiers: Orphanet 100989, MedGen C1863704, MONDO:0011339, OMIM 603563.
Ritscher-Schinzel syndrome. Also called: CRANIOCEREBELLOCARDIAC DYSPLASIA. Identifiers: Orphanet 7, MedGen C0796137, MONDO:0019078.

Submissions (2):

GeneDx
Classification: Uncertain significance. Last evaluated: 2024-04-01. Review status: criteria provided, single submitter. Criteria: GeneDx Variant Classification Process June 2021. Collection method: clinical testing. Allele origin: germline. Affected: yes.
Comment: Not observed at significant frequency in large population cohorts (gnomAD); In silico analysis supports that this missense variant does not alter protein structure/function; Has not been previously published as pathogenic or benign to our knowledge

Labcorp Genetics (formerly Invitae), Labcorp
Classification: Uncertain significance for Ritscher-Schinzel syndrome; Hereditary spastic paraplegia 8. Last evaluated: 2021-11-02. Review status: criteria provided, single submitter. Criteria: Invitae Variant Classification Sherloc (09022015). Collection method: clinical testing. Allele origin: germline.
Comment: This sequence change replaces methionine, which is neutral and non-polar, with valine, which is neutral and non-polar, at codon 836 of the WASHC5 protein (p.Met836Val). This variant is not present in population databases (gnomAD no frequency). This variant has not been reported in the literature in individuals affected with WASHC5-related conditions. Algorithms developed to predict the effect of missense changes on protein structure and function (SIFT, PolyPhen-2, Align-GVGD) all suggest that this variant is likely to be tolerated. In summary, the available evidence is currently insufficient to determine the role of this variant in disease. Therefore, it has been classified as a Variant of Uncertain Significance.

NM_014846.4(WASHC5):c.2506A>G (p.Met836Val)

Genes: WASHC5 (WASH complex subunit 5; minus strand), WASHC5-AS1 (WASHC5 antisense RNA 1; plus strand). Cytogenetic location: 8q24.13.
Variant type: single nucleotide variant.
Coding change: c.2506A>G on transcript NM_014846.4 (MANE Select); coding-DNA position 2506, A replaced by G.
Protein change: p.Met836Val; replaces methionine 836 with valine.
Molecular consequence: missense variant. On other transcripts: non-coding transcript variant (1).
Genome position (GRCh38, 1-based): chr8:125,044,697, T>C on the plus strand (A>G on the coding strand, the complement: WASHC5 is on the minus strand). VCF-style: chr8-125044697-T-C. GRCh37 (hg19) VCF-style: chr8-126056939-T-C.
Other names: c.2062A>G, p.Met688Val (NM_001330609.2); c.2506A>G (NM_014846.3); short protein forms M836V, M688V.
Identifiers: ClinVar variation 1358599 (VCV001358599.7), dbSNP rs2130023977, ClinGen allele CA372188775.